The following is an entry in ClinVar:

NM_002641.4(PIGA):c.142G>A (p.Gly48Ser)

Gene: PIGA (phosphatidylinositol glycan anchor biosynthesis class A; minus strand). Cytogenetic location: Xp22.2.
Variant type: single nucleotide variant.
Coding change: c.142G>A on transcript NM_002641.4 (MANE Select); coding-DNA position 142, G replaced by A.
Protein change: p.Gly48Ser; replaces glycine 48 with serine.
Molecular consequence: missense variant. On other transcripts: non-coding transcript variant (1), intron variant (1).
Genome position (GRCh38, 1-based): chrX:15,331,789, C>T on the plus strand (G>A on the coding strand, the complement: PIGA is on the minus strand). VCF-style: chrX-15331789-C-T. GRCh37 (hg19) VCF-style: chrX-15349911-C-T.
Other names: c.13+3712G>A (NM_020473.3); short protein forms G48S.
Identifiers: ClinVar variation 2502428 (VCV002502428.1), dbSNP rs2519331997, ClinGen allele CA412341159.

ClinVar aggregate classification (germline): Uncertain significance (0 of 4 stars; one submission).

Conditions:
Paroxysmal nocturnal hemoglobinuria 1 (PNH1). Identifiers: Orphanet 447, MedGen C3806670, MONDO:0010438, OMIM 300818.

Submission:

Pangenia Genomics, Pangenia Inc.
Classification: Uncertain significance for Paroxysmal nocturnal hemoglobinuria 1. Last evaluated: 2022-12-01. Review status: no assertion criteria provided. Collection method: research. Allele origin: somatic. Inheritance: Somatic mutation. Affected: yes.
Comment: This variant is absent from the gnomAD v2.1.1 dataset with good coverage of the locus. Multiple computational prediction tools and conservation analysis support that this variant is probably damaging to the protein function (REVEL = 0.957).